The following is an entry in ClinVar:

NM_001042545.2(LTBP4):c.3150C>T (p.Val1050=)

Gene: LTBP4 (latent transforming growth factor beta binding protein 4; plus strand). Cytogenetic location: 19q13.2.
Variant type: single nucleotide variant.
Coding change: c.3150C>T on transcript NM_001042545.2 (MANE Select); coding-DNA position 3150, C replaced by T.
Protein change: p.Val1050=; no amino-acid change (valine 1050 retained).
Molecular consequence: synonymous variant.
Genome position (GRCh38, 1-based): chr19:40,619,426, C>T. VCF-style: chr19-40619426-C-T. GRCh37 (hg19) VCF-style: chr19-41125331-C-T.
Other names: c.3351C>T, p.Val1117= (NM_001042544.1); c.3240C>T, p.Val1080= (NM_003573.2).
Identifiers: ClinVar variation 727695 (VCV000727695.16), dbSNP rs144831221, ClinGen allele CA9448925.

ClinVar aggregate classification (germline): Likely benign. Review status: criteria provided, multiple submitters, no conflicts (2 of 4 stars). 3 submissions from 3 submitters: Likely benign (3). Last evaluated 2026-01-30.

Allele frequency attached by ClinVar (database versions not stated): gnomAD exomes 0.00006 and 0.00010; ExAC 0.00013; 1000 Genomes Project 30x 0.00016; 1000 Genomes Project 0.00020; gnomAD 0.00038 and 0.00042; ESP Exome Variant Server 0.00041; TOPMed 0.00049.
gnomAD v4.1: 140 of 1,613,936 alleles (0.0087%); highest among the groups gnomAD compares: African/African-American, 0.16%; 1 homozygote.

Submissions (3):

Labcorp Genetics (formerly Invitae), Labcorp
Classification: Likely benign. Last evaluated: 2026-01-30. Review status: criteria provided, single submitter. Criteria: Invitae Variant Classification Sherloc (09022015). Collection method: clinical testing. Allele origin: germline.

CeGaT Center for Human Genetics Tuebingen
Classification: Likely benign. Last evaluated: 2025-11-01. Review status: criteria provided, single submitter. Criteria: CeGaT Center For Human Genetics Tuebingen Variant Classification Criteria Version 2. Collection method: clinical testing. Allele origin: germline. Affected: yes. Observed: 1 variant allele.
Comment: LTBP4: BP4, BP7

GeneDx
Classification: Likely benign. Last evaluated: 2019-09-11. Review status: criteria provided, single submitter. Criteria: GeneDx Variant Classification Process June 2021. Collection method: clinical testing. Allele origin: germline. Affected: yes.